The following is an entry in ClinVar:

ClinVar aggregate classification (germline): Uncertain significance (1 of 4 stars; one submission).

Allele frequency attached by ClinVar (database versions not stated): ExAC 0.00001; gnomAD 0.00001; gnomAD exomes 0.00001; TOPMed 0.00001; ESP Exome Variant Server 0.00008.
gnomAD v4.1: 16 of 1,612,964 alleles (0.00099%); highest among the groups gnomAD compares: Non-Finnish European, 0.0014%; no homozygotes.

Submission:

Labcorp Genetics (formerly Invitae), Labcorp
Classification: Uncertain significance. Last evaluated: 2022-07-23. Review status: criteria provided, single submitter. Criteria: Invitae Variant Classification Sherloc (09022015). Collection method: clinical testing. Allele origin: germline.
Comment: This variant is not present in population databases (gnomAD no frequency). In summary, the available evidence is currently insufficient to determine the role of this variant in disease. Therefore, it has been classified as a Variant of Uncertain Significance. Algorithms developed to predict the effect of missense changes on protein structure and function are either unavailable or do not agree on the potential impact of this missense change (SIFT: "Deleterious"; PolyPhen-2: "Benign"; Align-GVGD: "Class C0"). This variant has not been reported in the literature in individuals affected with ADAMTS13-related conditions. This sequence change replaces glycine, which is neutral and non-polar, with glutamic acid, which is acidic and polar, at codon 726 of the ADAMTS13 protein (p.Gly726Glu).

NM_139027.6(ADAMTS13):c.2177G>A (p.Gly726Glu)

Gene: ADAMTS13 (ADAM metallopeptidase with thrombospondin type 1 motif 13; plus strand). Cytogenetic location: 9q34.2.
Variant type: single nucleotide variant.
Coding change: c.2177G>A on transcript NM_139027.6 (MANE Select); coding-DNA position 2177, G replaced by A.
Protein change: p.Gly726Glu; replaces glycine 726 with glutamic acid.
Molecular consequence: missense variant.
Genome position (GRCh38, 1-based): chr9:133,442,686, G>A. VCF-style: chr9-133442686-G-A. GRCh37 (hg19) VCF-style: chr9-136307807-G-A.
Other names: c.2177G>A, p.Gly726Glu (NM_139025.5); c.2084G>A, p.Gly695Glu (NM_139026.6); short protein forms G695E, G726E.
Identifiers: ClinVar variation 2183923 (VCV002183923.4), dbSNP rs372471786, ClinGen allele CA200934102.